The following is an entry in ClinVar:

NM_000553.6(WRN):c.4103A>T (p.Asp1368Val)

Gene: WRN (WRN RecQ like helicase; plus strand). Cytogenetic location: 8p12.
Variant type: single nucleotide variant.
Coding change: c.4103A>T on transcript NM_000553.6 (MANE Select); coding-DNA position 4103, A replaced by T.
Protein change: p.Asp1368Val; replaces aspartic acid 1368 with valine.
Molecular consequence: missense variant.
Genome position (GRCh38, 1-based): chr8:31,167,142, A>T. VCF-style: chr8-31167142-A-T. GRCh37 (hg19) VCF-style: chr8-31024658-A-T.
Other names: short protein forms D1368V.
Identifiers: ClinVar variation 2828436 (VCV002828436.3), dbSNP rs770921190, ClinGen allele CA4705262.

ClinVar aggregate classification (germline): Uncertain significance (1 of 4 stars; one submission).

Conditions:
Werner syndrome (WRN). Identifiers: Orphanet 902, MedGen C0043119, MONDO:0010196, OMIM 277700.

Allele frequency attached by ClinVar (database versions not stated): gnomAD exomes below 0.00001; ExAC 0.00001.
gnomAD v4.1: 1 of 1,613,370 alleles (0.000062%); highest among the groups gnomAD compares: South Asian, 0.0011%; no homozygotes.

Submission:

Labcorp Genetics (formerly Invitae), Labcorp
Classification: Uncertain significance for Werner syndrome. Last evaluated: 2023-01-15. Review status: criteria provided, single submitter. Criteria: Invitae Variant Classification Sherloc (09022015). Collection method: clinical testing. Allele origin: germline.
Comment: In summary, the available evidence is currently insufficient to determine the role of this variant in disease. Therefore, it has been classified as a Variant of Uncertain Significance. Algorithms developed to predict the effect of missense changes on protein structure and function are either unavailable or do not agree on the potential impact of this missense change (SIFT: "Not Available"; PolyPhen-2: "Possibly Damaging"; Align-GVGD: "Not Available"). This variant has not been reported in the literature in individuals affected with WRN-related conditions. This variant is present in population databases (rs770921190, gnomAD 0.003%). This sequence change replaces aspartic acid, which is acidic and polar, with valine, which is neutral and non-polar, at codon 1368 of the WRN protein (p.Asp1368Val).